The following is an entry in ClinVar:

ClinVar aggregate classification (germline): Uncertain significance. Review status: criteria provided, multiple submitters, no conflicts (2 of 4 stars). 4 submissions from 4 submitters: Uncertain significance (4). Last evaluated 2024-06-16.

Conditions:
Osteogenesis imperfecta type 13. Also called: OI, TYPE XIII; Osteogenesis imperfecta, type xiii. Identifiers: Orphanet 666, MedGen C3553887, MONDO:0013924, OMIM 614856.
Inborn genetic diseases. Identifiers: MedGen C0950123, MeSH D030342.

Allele frequency attached by ClinVar (database versions not stated): gnomAD exomes 0.00011 and 0.00019; ExAC 0.00018; gnomAD 0.00018 and 0.00019; TOPMed 0.00020.
gnomAD v4.1: 182 of 1,614,008 alleles (0.011%); highest among the groups gnomAD compares: Middle Eastern, 0.082%; 1 homozygote.

Submissions (4):

Ambry Genetics
Classification: Uncertain significance for Inborn genetic diseases. Last evaluated: 2024-06-16. Review status: criteria provided, single submitter. Criteria: Ambry Variant Classification Scheme 2023. Collection method: clinical testing. Allele origin: germline.

Department of Pathology and Laboratory Medicine, Sinai Health System
Classification: Uncertain significance for osteogenesis imperfecta type 13. Last evaluated: 2023-04-02. Review status: criteria provided, single submitter. Criteria: ACMG Guidelines, 2015. Collection method: research. Allele origin: germline.

GeneDx
Classification: Uncertain significance. Last evaluated: 2022-09-04. Review status: criteria provided, single submitter. Criteria: GeneDx Variant Classification Process June 2021. Collection method: clinical testing. Allele origin: germline. Affected: yes.
Comment: In silico analysis supports that this missense variant has a deleterious effect on protein structure/function; Has not been previously published as pathogenic or benign to our knowledge

Labcorp Genetics (formerly Invitae), Labcorp
Classification: Uncertain significance. Last evaluated: 2022-03-13. Review status: criteria provided, single submitter. Criteria: Invitae Variant Classification Sherloc (09022015). Collection method: clinical testing. Allele origin: germline.
Comment: This sequence change replaces arginine, which is basic and polar, with tryptophan, which is neutral and slightly polar, at codon 865 of the BMP1 protein (p.Arg865Trp). This variant is present in population databases (rs749954119, gnomAD 0.04%). This variant has not been reported in the literature in individuals affected with BMP1-related conditions. Algorithms developed to predict the effect of missense changes on protein structure and function (SIFT, PolyPhen-2, Align-GVGD) all suggest that this variant is likely to be disruptive. In summary, the available evidence is currently insufficient to determine the role of this variant in disease. Therefore, it has been classified as a Variant of Uncertain Significance.

NM_006129.5(BMP1):c.2593C>T (p.Arg865Trp)

Gene: BMP1 (bone morphogenetic protein 1; plus strand). Cytogenetic location: 8p21.3.
Variant type: single nucleotide variant.
Coding change: c.2593C>T on transcript NM_006129.5 (MANE Select); coding-DNA position 2593, C replaced by T.
Protein change: p.Arg865Trp; replaces arginine 865 with tryptophan.
Molecular consequence: missense variant. On other transcripts: non-coding transcript variant (1).
Genome position (GRCh38, 1-based): chr8:22,209,462, C>T. VCF-style: chr8-22209462-C-T. GRCh37 (hg19) VCF-style: chr8-22066975-C-T.
Other names: c.2593C>T (NM_006129.4); short protein forms R865W.
Identifiers: ClinVar variation 1446051 (VCV001446051.7), dbSNP rs749954119, ClinGen allele CA4665322.